The following is an entry in ClinVar:

NM_001020658.2(PUM1):c.46G>T (p.Asp16Tyr)

Gene: PUM1 (pumilio RNA binding family member 1; minus strand). Cytogenetic location: 1p35.2.
Variant type: single nucleotide variant.
Coding change: c.46G>T on transcript NM_001020658.2 (MANE Select); coding-DNA position 46, G replaced by T.
Protein change: p.Asp16Tyr; replaces aspartic acid 16 with tyrosine.
Molecular consequence: missense variant.
Genome position (GRCh38, 1-based): chr1:31,059,521, C>A on the plus strand (G>T on the coding strand, the complement: PUM1 is on the minus strand). VCF-style: chr1-31059521-C-A. GRCh37 (hg19) VCF-style: chr1-31532368-C-A.
Other names: c.46G>T, p.Asp16Tyr (NM_014676.3); short protein forms D16Y.
Identifiers: ClinVar variation 984948 (VCV000984948.1), dbSNP rs1644321851, ClinGen allele CA339573041.

ClinVar aggregate classification (germline): Likely pathogenic (1 of 4 stars; one submission).

Conditions:
Spinocerebellar ataxia 47 (NEDMSF). Also called: PADDAS SYNDROME; neurodevelopmental disorder with motor abnormalities, seizures, and facial dysmorphism. Identifiers: Orphanet 642747, MedGen C4693672, MONDO:0033482, OMIM 620719.

Submission:

Rady Children's Institute for Genomic Medicine, Rady Children's Hospital San Diego
Classification: Likely pathogenic for SPINOCEREBELLAR ATAXIA 47. Last evaluated: 2020-02-27. Review status: criteria provided, single submitter. Criteria: ACMG Guidelines, 2015. Collection method: clinical testing. Allele origin: germline. Affected: yes.
Comment: This variant has not been previously reported or functionally characterized in the literature to our knowledge. It is absent from the ExAC and gnomAD population databases and thus is presumed to be rare. The c.46G>T (p.Asp16Tyr) variant affects a highly conserved amino acid and is predicted by multiple in silico tools to have a deleterious effect on protein function. Analysis of the parental samples showed that the mother is negative and the father is negative for this variant, indicating that this variant likely occurred as a de novo event. However, low-level parental mosaicism cannot be excluded. Based on the available evidence, the c.46G>T (p.Asp16Tyr) variant is classified as Likely Pathogenic.